The following is an entry in ClinVar:

ClinVar aggregate classification (germline): Uncertain significance (1 of 4 stars; one submission).

Conditions:
TP63-Related Spectrum Disorders.

Submission:

Labcorp Genetics (formerly Invitae), Labcorp
Classification: Uncertain significance. Last evaluated: 2024-02-02. Review status: criteria provided, single submitter. Criteria: Invitae Variant Classification Sherloc (09022015). Collection method: clinical testing. Allele origin: germline.
Comment: This sequence change falls in intron 11 of the TP63 gene. It does not directly change the encoded amino acid sequence of the TP63 protein. It affects a nucleotide within the consensus splice site. This variant is not present in population databases (gnomAD no frequency). This variant has not been reported in the literature in individuals affected with TP63-related conditions. Variants that disrupt the consensus splice site are a relatively common cause of aberrant splicing (PMID: 17576681, 9536098). Algorithms developed to predict the effect of sequence changes on RNA splicing suggest that this variant may disrupt the consensus splice site. In summary, the available evidence is currently insufficient to determine the role of this variant in disease. Therefore, it has been classified as a Variant of Uncertain Significance.

Literature cited by the submitters: PubMed 17576681; PubMed 9536098.

NM_003722.5(TP63):c.1507+4A>G

Gene: TP63 (tumor protein p63; plus strand). Cytogenetic location: 3q28.
Variant type: single nucleotide variant.
Coding change: c.1507+4A>G on transcript NM_003722.5 (MANE Select); 4 bases into the intron after coding-DNA position 1507, A replaced by G.
Molecular consequence: intron variant.
Genome position (GRCh38, 1-based): chr3:189,886,555, A>G. VCF-style: chr3-189886555-A-G. GRCh37 (hg19) VCF-style: chr3-189604344-A-G.
Other names: c.1501+4A>G (NM_001329964.2); c.1507+4A>G (NM_001114978.2, NM_001329144.2); c.1495+4A>G (NM_001329148.2); c.1225+4A>G (NM_001114980.2, NM_001114981.2, NM_001329145.2); c.1213+4A>G (NM_001329149.2); c.970+4A>G (NM_001329146.2); c.958+4A>G (NM_001329150.2).
Identifiers: ClinVar variation 3701596 (VCV003701596.1).